The following is an entry in ClinVar:

ClinVar aggregate classification (germline): Uncertain significance (1 of 4 stars; one submission).

Submission:

GeneDx
Classification: Uncertain significance. Last evaluated: 2025-04-15. Review status: criteria provided, single submitter. Criteria: GeneDx Variant Classification Process June 2021. Collection method: clinical testing. Allele origin: germline. Affected: yes.
Comment: Not observed at significant frequency in large population cohorts (gnomAD); In silico analysis supports that this missense variant has a deleterious effect on protein structure/function; Has not been previously published as pathogenic or benign to our knowledge

NM_001007553.3(CSDE1):c.415C>G (p.Leu139Val)

Gene: CSDE1 (cold shock domain containing E1; minus strand). Cytogenetic location: 1p13.2.
Variant type: single nucleotide variant.
Coding change: c.415C>G on transcript NM_001007553.3 (MANE Select); coding-DNA position 415, C replaced by G.
Protein change: p.Leu139Val; replaces leucine 139 with valine.
Molecular consequence: missense variant.
Genome position (GRCh38, 1-based): chr1:114,736,843, G>C on the plus strand (C>G on the coding strand, the complement: CSDE1 is on the minus strand). VCF-style: chr1-114736843-G-C. GRCh37 (hg19) VCF-style: chr1-115279464-G-C.
Other names: c.460C>G, p.Leu154Val (NM_001130523.3); c.553C>G, p.Leu185Val (NM_001242891.2); c.415C>G, p.Leu139Val (NM_001242892.2); c.322C>G, p.Leu108Val (NM_001242893.2, NM_007158.6); short protein forms L108V, L139V, L154V, L185V.
Identifiers: ClinVar variation 4282190 (VCV004282190.1).
Genomic context (GRCh38, chr1:114,736,843, plus strand): 5'-TTATTTTATCTCCAGTTTCCAGCTGAACGTTCCCTTCGACATCTTCAGGGGTGTAAGTCA[G>C]ATAAAACACTTCCTGTGAATTAATAAATCATTATTACTATTTTGGCAGGATGCATATTCA-3'
Protein context (NP_001007554.1, residues 129-149): CYERNGEVFY[Leu139Val]TYTPEDVEGN